The following is an entry in ClinVar:

NM_004208.4(AIFM1):c.1087G>T (p.Val363Leu)

Genes: AIFM1 (apoptosis inducing factor mitochondria associated 1; minus strand), RAB33A (RAB33A, member RAS oncogene family; plus strand). Cytogenetic location: Xq26.1.
Variant type: single nucleotide variant.
Coding change: c.1087G>T on transcript NM_004208.4 (MANE Select); coding-DNA position 1087, G replaced by T.
Protein change: p.Val363Leu; replaces valine 363 with leucine.
Molecular consequence: missense variant. On other transcripts: 3 prime UTR variant (1), non-coding transcript variant (1).
Genome position (GRCh38, 1-based): chrX:130,136,720, C>A on the plus strand (G>T on the coding strand, the complement: AIFM1 is on the minus strand). VCF-style: chrX-130136720-C-A. GRCh37 (hg19) VCF-style: chrX-129270695-C-A.
Other names: c.70G>T, p.Val24Leu (NM_001130846.4); c.*315G>T (NM_001130847.4); c.1075G>T, p.Val359Leu (NM_145812.3); short protein forms V24L, V359L, V363L.
Identifiers: ClinVar variation 1303233 (VCV001303233.2), dbSNP rs894365881, ClinGen allele CA335118130.
Genomic context (GRCh38, chrX:130,136,720, plus strand): 5'-GCTTGATAAGTAACTTGCCACTGCTGACTCCAACGGATTGCACAATAGCATTGGGCATCA[C>A]CTTAACCCCCTCTGTAAAGGCAAACAAGACCTGAGAGTGAGCCTACAAGGCTATCACTTT-3'
Protein context (NP_004199.1, residues 353-373): MEKVRREGVK[Val363Leu]MPNAIVQSVG

ClinVar aggregate classification (germline): Uncertain significance (1 of 4 stars; one submission).

Allele frequency attached by ClinVar (database versions not stated): gnomAD exomes below 0.00001; TOPMed below 0.00001; gnomAD 0.00001.
gnomAD v4.1: 3 of 1,207,609 alleles (0.00025%); highest among the groups gnomAD compares: Non-Finnish European, 0.00034%; no homozygotes.

Submission:

GeneDx
Classification: Uncertain significance. Last evaluated: 2019-06-04. Review status: criteria provided, single submitter. Criteria: GeneDx Variant Classification Process June 2021. Collection method: clinical testing. Allele origin: germline. Affected: yes.
Comment: Not observed in large population cohorts (Lek et al., 2016); In silico analysis, which includes protein predictors and evolutionary conservation, supports a deleterious effect; Has not been previously published as pathogenic or benign to our knowledge